The following is an entry in ClinVar:

NM_016151.4(TAOK2):c.2306C>G (p.Thr769Ser)

Gene: TAOK2 (TAO kinase 2; plus strand). Cytogenetic location: 16p11.2.
Variant type: single nucleotide variant.
Coding change: c.2306C>G on transcript NM_016151.4 (MANE Select); coding-DNA position 2306, C replaced by G.
Protein change: p.Thr769Ser; replaces threonine 769 with serine.
Molecular consequence: missense variant. On other transcripts: intron variant (2).
Genome position (GRCh38, 1-based): chr16:29,986,578, C>G. VCF-style: chr16-29986578-C-G. GRCh37 (hg19) VCF-style: chr16-29997899-C-G.
Other names: c.2232+74C>G (NM_004783.4, NM_001252043.2); short protein forms T769S.
Identifiers: ClinVar variation 4697864 (VCV004697864.1).

ClinVar aggregate classification (germline): Uncertain significance (1 of 4 stars; one submission).

gnomAD v4.1: 4 of 1,613,878 alleles (0.00025%); highest among the groups gnomAD compares: East Asian, 0.0089%; no homozygotes.

Submission:

Labcorp Genetics (formerly Invitae), Labcorp
Classification: Uncertain significance. Last evaluated: 2025-09-28. Review status: criteria provided, single submitter. Criteria: Invitae Variant Classification Sherloc (09022015). Collection method: clinical testing. Allele origin: germline.
Comment: This sequence change replaces threonine, which is neutral and polar, with serine, which is neutral and polar, at codon 769 of the TAOK2 protein (p.Thr769Ser). This variant is present in population databases (rs199554981, gnomAD 0.05%). This variant has not been reported in the literature in individuals affected with TAOK2-related conditions. An algorithm developed to predict the effect of missense changes on protein structure and function outputs the following: PolyPhen-2: "Benign". The serine amino acid residue is found in multiple mammalian species, which suggests that this missense change does not adversely affect protein function. In summary, the available evidence is currently insufficient to determine the role of this variant in disease. Therefore, it has been classified as a Variant of Uncertain Significance.